The following is an entry in ClinVar:

NM_000400.4(ERCC2):c.2074A>G (p.Lys692Glu)

Gene: ERCC2 (ERCC excision repair 2, TFIIH core complex helicase subunit; minus strand). Cytogenetic location: 19q13.32.
Variant type: single nucleotide variant.
Coding change: c.2074A>G on transcript NM_000400.4 (MANE Select); coding-DNA position 2074, A replaced by G.
Protein change: p.Lys692Glu; replaces lysine 692 with glutamic acid.
Molecular consequence: missense variant.
Genome position (GRCh38, 1-based): chr19:45,352,325, T>C on the plus strand (A>G on the coding strand, the complement: ERCC2 is on the minus strand). VCF-style: chr19-45352325-T-C. GRCh37 (hg19) VCF-style: chr19-45855583-T-C.
Other names: short protein forms K692E.
Identifiers: ClinVar variation 1705267 (VCV001705267.3), dbSNP rs2123222598, ClinGen allele CA406362415.

ClinVar aggregate classification (germline): Uncertain significance. Review status: criteria provided, single submitter (1 of 4 stars). 2 submissions from 2 submitters: Uncertain significance (1). 1 of the submissions does not count toward it. Last evaluated 2021-08-22.

Conditions:
Inborn genetic diseases. Identifiers: MedGen C0950123, MeSH D030342.
Trichothiodystrophy 1, photosensitive (TTD1). Also called: TAY SYNDROME; TRICHOTHIODYSTROPHY WITH CONGENITAL ICHTHYOSIS; PIBIDS SYNDROME. Identifiers: Orphanet 33364, MedGen C1866504, MONDO:0011125, OMIM 601675.

Allele frequency attached by ClinVar (database versions not stated): gnomAD exomes below 0.00001.

Submissions (2):

Ambry Genetics
Classification: Uncertain significance for Inborn genetic diseases. Last evaluated: 2021-08-22. Review status: criteria provided, single submitter. Criteria: Ambry Variant Classification Scheme 2023. Collection method: clinical testing. Allele origin: germline.
Comment: The p.K692E variant (also known as c.2074A>G), located in coding exon 22 of the ERCC2 gene, results from an A to G substitution at nucleotide position 2074. The lysine at codon 692 is replaced by glutamic acid, an amino acid with similar properties. This amino acid position is conserved. In addition, this alteration is predicted to be deleterious by in silico analysis. Since supporting evidence is limited at this time, the clinical significance of this alteration remains unclear.

Istituto di Genetica Molecolare, National Research Council of Italy
Classification: Pathogenic for Trichothiodystrophy 1, photosensitive. Review status: no assertion criteria provided. Collection method: research. Allele origin: germline. Affected: yes. Not counted in ClinVar's aggregate classification.

Literature cited by the submitters: DOI 10.1002/humu.24488 (cited by Istituto di Genetica Molecolare, National Research Council of Italy).